The following is an entry in ClinVar:

ClinVar aggregate classification (germline): Uncertain significance (1 of 4 stars; one submission).

Conditions:
Hereditary pulmonary alveolar proteinosis. Also called: Pulmonary surfactant metabolism dysfunction. Identifiers: Orphanet 264675, MedGen C3711368, MONDO:0012580.

Allele frequency attached by ClinVar (database versions not stated): ESP Exome Variant Server 0.00008.
gnomAD v4.1: 12 of 1,613,186 alleles (0.00074%); highest among the groups gnomAD compares: Non-Finnish European, 0.001%; no homozygotes.

Submission:

Ambry Genetics
Classification: Uncertain significance for Hereditary pulmonary alveolar proteinosis. Last evaluated: 2017-10-16. Review status: criteria provided, single submitter. Criteria: Ambry Variant Classification Scheme 2023. Collection method: clinical testing. Allele origin: germline.
Comment: The p.I698L variant (also known as c.2092A>C), located in coding exon 14 of the ABCA3 gene, results from an A to C substitution at nucleotide position 2092. The isoleucine at codon 698 is replaced by leucine, an amino acid with highly similar properties. This amino acid position is poorly conserved in available vertebrate species. In addition, this alteration is predicted to be tolerated by in silico analysis. Since supporting evidence is limited at this time, the clinical significance of this alteration remains unclear.

NM_001089.3(ABCA3):c.2092A>C (p.Ile698Leu)

Gene: ABCA3 (ATP binding cassette subfamily A member 3; minus strand). Cytogenetic location: 16p13.3.
Variant type: single nucleotide variant.
Coding change: c.2092A>C on transcript NM_001089.3 (MANE Select); coding-DNA position 2092, A replaced by C.
Protein change: p.Ile698Leu; replaces isoleucine 698 with leucine.
Molecular consequence: missense variant.
Genome position (GRCh38, 1-based): chr16:2,297,500, T>G on the plus strand (A>C on the coding strand, the complement: ABCA3 is on the minus strand). VCF-style: chr16-2297500-T-G. GRCh37 (hg19) VCF-style: chr16-2347501-T-G.
Other names: short protein forms I698L.
Identifiers: ClinVar variation 1785747 (VCV001785747.2), dbSNP rs375570191, ClinGen allele CA7840951.
Genomic context (GRCh38, chr16:2,297,500, plus strand): 5'-GCACGATGGTGCGGTCACTTTTCTGCCGCTGAAGAAGATCCCAGATGGCCCTCCTGGAGA[T>G]GGCGTCCATGCCCGAGGTGGGCTCGTCCAGTATCAGCACCTGGAGGGAGAGACACAGTCT-3'
Protein context (NP_001080.2, residues 688-708): LDEPTSGMDA[Ile698Leu]SRRAIWDLLQ